The following is an entry in ClinVar:

NM_002542.6(OGG1):c.174A>T (p.Val58=)

Gene: OGG1 (8-oxoguanine DNA glycosylase; plus strand). Cytogenetic location: 3p25.3.
Variant type: single nucleotide variant.
Coding change: c.174A>T on transcript NM_002542.6 (MANE Select); coding-DNA position 174, A replaced by T.
Protein change: p.Val58=; no amino-acid change (valine 58 retained).
Molecular consequence: synonymous variant. On other transcripts: non-coding transcript variant (1).
Genome position (GRCh38, 1-based): chr3:9,750,981, A>T. VCF-style: chr3-9750981-A-T. GRCh37 (hg19) VCF-style: chr3-9792665-A-T.
Other names: c.174A>T, p.Val58= (NM_001354648.2, NM_001354649.2, NM_001354650.2 and 9 more transcripts).
Identifiers: ClinVar variation 3052950 (VCV003052950.2), dbSNP rs201668327, ClinGen allele CA2242543.

ClinVar aggregate classification (germline): Likely benign (0 of 4 stars; one submission).

Conditions:
OGG1-related disorder. Also called: OGG1-related condition.

Allele frequency attached by ClinVar (database versions not stated): TOPMed 0.00013; ExAC 0.00029; gnomAD 0.00015; ESP Exome Variant Server 0.00038.
gnomAD v4.1: 364 of 1,614,008 alleles (0.023%); highest among the groups gnomAD compares: Non-Finnish European, 0.03%; no homozygotes.

Submission:

PreventionGenetics, part of Exact Sciences
Classification: Likely benign for OGG1-related condition. Last evaluated: 2019-09-05. Review status: no assertion criteria provided. Collection method: clinical testing. Allele origin: germline.
Comment: This variant is classified as likely benign based on ACMG/AMP sequence variant interpretation guidelines (Richards et al. 2015 PMID: 25741868, with internal and published modifications).